The following is an entry in ClinVar:

NM_000098.3(CPT2):c.809A>T (p.Gln270Leu)

Gene: CPT2 (carnitine palmitoyltransferase 2; plus strand). Cytogenetic location: 1p32.3.
Variant type: single nucleotide variant.
Coding change: c.809A>T on transcript NM_000098.3 (MANE Select); coding-DNA position 809, A replaced by T.
Protein change: p.Gln270Leu; replaces glutamine 270 with leucine.
Molecular consequence: missense variant.
Genome position (GRCh38, 1-based): chr1:53,210,483, A>T. VCF-style: chr1-53210483-A-T. GRCh37 (hg19) VCF-style: chr1-53676155-A-T.
Other names: c.809A>T, p.Gln270Leu (NM_001330589.2); short protein forms Q270L.
Identifiers: ClinVar variation 2180384 (VCV002180384.1), dbSNP rs765964579, ClinGen allele CA859053.
Genomic context (GRCh38, chr1:53,210,483, plus strand): 5'-ATTTTTATATCTTTGATGTCCTGGATCAAGATGGGAACATTGTGAGCCCCTCGGAAATCC[A>T]GGCACATCTGAAGTACATTCTCTCAGACAGCAGCCCCGCCCCCGAGTTTCCCCTGGCATA-3'
Protein context (NP_000089.1, residues 260-280): DGNIVSPSEI[Gln270Leu]AHLKYILSDS

ClinVar aggregate classification (germline): Uncertain significance (1 of 4 stars; one submission).

Conditions:
Carnitine palmitoyltransferase II deficiency. Also called: Carnitine Palmitoyltransferase 2 Deficiency. Identifiers: Orphanet 157, MedGen C0342790, MONDO:0015515.

Allele frequency attached by ClinVar (database versions not stated): ExAC 0.00002.
gnomAD v4.1: 6 of 1,614,108 alleles (0.00037%); highest among the groups gnomAD compares: South Asian, 0.0022%; no homozygotes.

Submission:

Labcorp Genetics (formerly Invitae), Labcorp
Classification: Uncertain significance for Carnitine palmitoyltransferase II deficiency. Last evaluated: 2022-04-20. Review status: criteria provided, single submitter. Criteria: Invitae Variant Classification Sherloc (09022015). Collection method: clinical testing. Allele origin: germline.
Comment: This sequence change replaces glutamine, which is neutral and polar, with leucine, which is neutral and non-polar, at codon 270 of the CPT2 protein (p.Gln270Leu). This variant is present in population databases (rs765964579, gnomAD 0.006%). This variant has not been reported in the literature in individuals affected with CPT2-related conditions. Advanced modeling of protein sequence and biophysical properties (such as structural, functional, and spatial information, amino acid conservation, physicochemical variation, residue mobility, and thermodynamic stability) performed at Invitae indicates that this missense variant is not expected to disrupt CPT2 protein function. In summary, the available evidence is currently insufficient to determine the role of this variant in disease. Therefore, it has been classified as a Variant of Uncertain Significance.